The following is an entry in ClinVar:

ClinVar aggregate classification (germline): Conflicting classifications of pathogenicity. Review status: criteria provided, conflicting classifications (1 of 4 stars). 11 submissions from 11 submitters: Uncertain significance (6); Benign (2); Likely benign (3). Last evaluated 2026-02-19.

Conditions:
Classic or attenuated familial adenomatous polyposis. Identifiers: MedGen CN372698, MONDO:0021057.
Hereditary cancer-predisposing syndrome. Also called: Hereditary neoplastic syndrome; Neoplastic Syndromes, Hereditary; Tumor predisposition; Hereditary Cancer Syndrome. Identifiers: Orphanet 140162, MedGen C0027672, MeSH D009386, MONDO:0015356.
Ovarian cancer. Also called: OVARIAN CANCER, SOMATIC. Identifiers: Orphanet 213500, MedGen C1140680, MONDO:0008170, OMIM 167000.
Familial adenomatous polyposis 1 (FAP1). Also called: FAMILIAL ADENOMATOUS POLYPOSIS 1, ATTENUATED; POLYPOSIS, ADENOMATOUS INTESTINAL. Identifiers: MedGen C2713442, MONDO:0021056, OMIM 175100. Disease mechanism: loss of function.

Allele frequency attached by ClinVar (database versions not stated): gnomAD exomes 0.00001 and 0.00002; ExAC 0.00002; TOPMed 0.00003; gnomAD 0.00004.
gnomAD v4.1: 15 of 1,612,536 alleles (0.00093%); highest among the groups gnomAD compares: East Asian, 0.013%; no homozygotes.

Submissions (11):

Dasa
Classification: Likely benign. Last evaluated: 2026-02-19. Review status: criteria provided, single submitter. Criteria: DASA Assertion Criteria. Collection method: clinical testing. Allele origin: germline.
Comment: NM_000038.6(APC):c.883A>G (p.Ser295Gly) is a missense variant that results in the substitution of serine with glycine. This variant has been recurrently observed in individuals with related phenotype (PMID: 28744403; PMID: 36243179; PMID: 33193653; PMID: 29684080). Based on the available data, this variant is classified as likely benign.

Color Diagnostics, LLC DBA Color Health
Classification: Likely benign for Hereditary cancer-predisposing syndrome. Last evaluated: 2025-11-24. Review status: criteria provided, single submitter. Criteria: ACMG Guidelines, 2015. Collection method: clinical testing. Allele origin: germline.

Hema, HEMA – Genetic and Molecular Diagnostic Laboratory
Classification: Uncertain significance for Classic or attenuated familial adenomatous polyposis. Last evaluated: 2025-03-13. Review status: criteria provided, single submitter. Criteria: HEMA Variant Classification Assertion Criteria. Collection method: clinical testing. Allele origin: germline.
Comment: It is a transition from adenine to guanine, resulting in the substitution of serine 295 with glycine in the APC protein. PM2_Supporting: Absent in gnomAD v2.1.1 non-cancer. BP1: Missense variant in a gene in which pathogenic variants are predominantly truncating variants, as established by the ClinGen InSiGHT Hereditary Colorectal Cancer/Polyposis Variant Curation Expert Panel for APC.

Center for Genomic Medicine, Rigshospitalet, Copenhagen University Hospital
Classification: Likely benign. Last evaluated: 2025-03-04. Review status: criteria provided, single submitter. Criteria: ACMG Guidelines, 2015. Collection method: clinical testing. Allele origin: germline.

Quest Diagnostics Nichols Institute San Juan Capistrano
Classification: Uncertain significance. Last evaluated: 2025-02-17. Review status: criteria provided, single submitter. Criteria: Quest Diagnostics criteria. Collection method: clinical testing. Allele origin: unknown.
Comment: The APC c.883A>G (p.Ser295Gly) variant has been reported in the published literature in individuals with biliary tract cancer (PMID: 36243179 (2022)), colorectal cancer (PMID: 33193653 (2020)), and breast cancer (PMID: 29684080 (2018)). This variant has also been identified in reportedly healthy individuals (PMID: 36243179 (2022)). The frequency of this variant in the general population (Genome Aggregation Database) is higher than would generally be expected for pathogenic variants in this gene. Analysis of this variant using bioinformatics tools for the prediction of the effect of amino acid changes on protein structure and function yielded predictions that this variant is benign. Based on the available information, we are unable to determine the clinical significance of this variant.

Labcorp Genetics (formerly Invitae), Labcorp
Classification: Uncertain significance for Familial adenomatous polyposis 1. Last evaluated: 2025-01-30. Review status: criteria provided, single submitter. Criteria: Invitae Variant Classification Sherloc (09022015). Collection method: clinical testing. Allele origin: germline.
Comment: This sequence change replaces serine, which is neutral and polar, with glycine, which is neutral and non-polar, at codon 295 of the APC protein (p.Ser295Gly). This variant is present in population databases (rs587780611, gnomAD 0.02%). This missense change has been observed in individual(s) with biliary tract cancer and/or colorectal cancer (PMID: 3193653, 36243179). ClinVar contains an entry for this variant (Variation ID: 135729). Invitae Evidence Modeling of protein sequence and biophysical properties (such as structural, functional, and spatial information, amino acid conservation, physicochemical variation, residue mobility, and thermodynamic stability) indicates that this missense variant is not expected to disrupt APC protein function with a negative predictive value of 95%. RNA analysis performed to evaluate the impact of this missense change on mRNA splicing indicates it does not significantly alter splicing (internal data). In summary, the available evidence is currently insufficient to determine the role of this variant in disease. Therefore, it has been classified as a Variant of Uncertain Significance.

Baylor Genetics
Classification: Uncertain significance for Familial adenomatous polyposis 1. Last evaluated: 2024-03-06. Review status: criteria provided, single submitter. Criteria: ACMG Guidelines, 2015. Collection method: clinical testing. Allele origin: unknown.

GeneDx
Classification: Uncertain significance. Last evaluated: 2023-02-01. Review status: criteria provided, single submitter. Criteria: GeneDx Variant Classification Process June 2021. Collection method: clinical testing. Allele origin: germline. Affected: yes.
Comment: In silico analysis supports that this missense variant does not alter protein structure/function; Observed in an individual with breast cancer in The Cancer Genome Atlas (Yehia et al., 2018); This variant is associated with the following publications: (PMID: 28195569, 32980694, 29684080)

Ambry Genetics
Classification: Benign for Hereditary cancer-predisposing syndrome. Last evaluated: 2022-10-26. Review status: criteria provided, single submitter. Criteria: Ambry Variant Classification Scheme 2023. Collection method: clinical testing. Allele origin: germline.

Laboratory of Molecular Epidemiology of Birth Defects, West China Second University Hospital, Sichuan University
Classification: Benign for Ovarian cancer. Last evaluated: 2022-01-01. Review status: criteria provided, single submitter. Criteria: ACMG Guidelines, 2015. Collection method: clinical testing. Allele origin: germline. Affected: yes.

Women's Health and Genetics/Laboratory Corporation of America, LabCorp
Classification: Uncertain significance. Last evaluated: 2019-08-02. Review status: criteria provided, single submitter. Criteria: LabCorp Variant Classification Summary - May 2015. Collection method: clinical testing. Allele origin: germline.
Comment: Variant summary: APC c.883A>G (p.Ser295Gly) results in a non-conservative amino acid change in the encoded protein sequence. Four of five in-silico tools predict a benign effect of the variant on protein function. The variant allele was found at a frequency of 2e-05 in 251372 control chromosomes. The available data on variant occurrences in the general population are insufficient to allow any conclusion about variant significance. c.883A>G has been reported in the literature in individuals in the lieterature affected with gastric cancer (Ge_2017) and schizophrenia (Yang_2017). These reports do not provide unequivocal conclusions about association of the variant with Familial Adenomatous Polyposis. To our knowledge, no experimental evidence demonstrating an impact on protein function has been reported. Three clinical diagnostic laboratories have submitted clinical-significance assessments for this variant to ClinVar (after 2014) and classified the variant as uncertain significance. Based on the evidence outlined above, the variant was classified as uncertain significance.

Literature cited by the submitters: PubMed 28744403 (cited by Dasa and Women's Health and Genetics/Laboratory Corporation of America, LabCorp); PubMed 36243179 (cited by 3 submitters); PubMed 33193653 (cited by 3 submitters); PubMed 29684080 (cited by 3 submitters); PubMed 3193653 (cited by Labcorp Genetics (formerly Invitae), Labcorp); PubMed 28195569 (cited by Ambry Genetics and Women's Health and Genetics/Laboratory Corporation of America, LabCorp).

NM_000038.6(APC):c.883A>G (p.Ser295Gly)

Gene: APC (APC regulator of Wnt signaling pathway; plus strand). Cytogenetic location: 5q22.2.
Variant type: single nucleotide variant.
Coding change: c.883A>G on transcript NM_000038.6 (MANE Select); coding-DNA position 883, A replaced by G.
Protein change: p.Ser295Gly; replaces serine 295 with glycine.
Molecular consequence: missense variant.
Genome position (GRCh38, 1-based): chr5:112,815,543, A>G. VCF-style: chr5-112815543-A-G. GRCh37 (hg19) VCF-style: chr5-112151240-A-G.
Other names: c.883A>G, p.Ser295Gly (NM_001127510.3, NM_001354895.2, NM_001354896.2 and 1 more transcripts); c.829A>G, p.Ser277Gly (NM_001127511.3); c.913A>G, p.Ser305Gly (NM_001354897.2, NM_001354902.2); c.808A>G, p.Ser270Gly (NM_001354898.2, NM_001354904.2); c.799A>G, p.Ser267Gly (NM_001354899.2); c.706A>G, p.Ser236Gly (NM_001354900.2, NM_001354901.2, NM_001354905.2); c.34A>G, p.Ser12Gly (NM_001354906.2); short protein forms S295G, S277G, S267G, S305G, S12G, S236G, S270G.
Identifiers: ClinVar variation 135729 (VCV000135729.68), dbSNP rs587780611, ClinGen allele CA015623.
Genomic context (GRCh38, chr5:112,815,543, plus strand): 5'-CTTAATTTTTAGGGTTCAACTACACGAATGGACCATGAAACAGCCAGTGTTTTGAGTTCT[A>G]GTAGCACACACTCTGCACCTCGAAGGCTGACAAGTCATCTGGGAACCAAGGTAACAGAAG-3'
Protein context (NP_000029.2, residues 285-305): DHETASVLSS[Ser295Gly]STHSAPRRLT